The following is an entry in ClinVar:

NM_000215.4(JAK3):c.2280G>T (p.Met760Ile)

Gene: JAK3 (Janus kinase 3; minus strand). Cytogenetic location: 19p13.11.
Variant type: single nucleotide variant.
Coding change: c.2280G>T on transcript NM_000215.4 (MANE Select); coding-DNA position 2280, G replaced by T.
Protein change: p.Met760Ile; replaces methionine 760 with isoleucine.
Molecular consequence: missense variant.
Genome position (GRCh38, 1-based): chr19:17,834,641, C>A on the plus strand (G>T on the coding strand, the complement: JAK3 is on the minus strand). VCF-style: chr19-17834641-C-A. GRCh37 (hg19) VCF-style: chr19-17945450-C-A.
Other names: short protein forms M760I.
Identifiers: ClinVar variation 1998302 (VCV001998302.4), dbSNP rs1370953717, ClinGen allele CA404767388.
Genomic context (GRCh38, chr19:17,834,641, plus strand): 5'-GAGGCTATTGAGGTCACGAATGACGGCTCGGAAGGAGGGCCTCTGGACCGGCTCATAGGC[C>A]ATGCACTGTTGAATCAGCAGGGCCAGCTCTGTCCACTTGGGGGCCGGCAGCTGCTGCCGG-3'
Protein context (NP_000206.2, residues 750-770): TELALLIQQC[Met760Ile]AYEPVQRPSF

ClinVar aggregate classification (germline): Uncertain significance. Review status: criteria provided, multiple submitters, no conflicts (2 of 4 stars). 2 submissions from 2 submitters: Uncertain significance (2). Last evaluated 2022-05-24.

Conditions:
T-B+ severe combined immunodeficiency due to JAK3 deficiency. Also called: SCID, T CELL-NEGATIVE, B CELL-POSITIVE, NK CELL-NEGATIVE; SCID, autosomal recessive, T-negative/B-positive type. Identifiers: Orphanet 35078, MedGen C1833275, MONDO:0010938, OMIM 600802.

Allele frequency attached by ClinVar (database versions not stated): gnomAD exomes below 0.00001.
gnomAD v4.1: 1 of 1,614,122 alleles (0.000062%); highest among the groups gnomAD compares: South Asian, 0.0011%; no homozygotes.

Submissions (2):

Labcorp Genetics (formerly Invitae), Labcorp
Classification: Uncertain significance for T-B+ severe combined immunodeficiency due to JAK3 deficiency. Last evaluated: 2022-05-24. Review status: criteria provided, single submitter. Criteria: Invitae Variant Classification Sherloc (09022015). Collection method: clinical testing. Allele origin: germline.
Comment: This variant has not been reported in the literature in individuals affected with JAK3-related conditions. In summary, the available evidence is currently insufficient to determine the role of this variant in disease. Therefore, it has been classified as a Variant of Uncertain Significance. Algorithms developed to predict the effect of missense changes on protein structure and function are either unavailable or do not agree on the potential impact of this missense change (SIFT: "Deleterious"; PolyPhen-2: "Benign"; Align-GVGD: "Class C0"). This variant is present in population databases (no rsID available, gnomAD 0.003%). This sequence change replaces methionine, which is neutral and non-polar, with isoleucine, which is neutral and non-polar, at codon 760 of the JAK3 protein (p.Met760Ile).

Neuberg Centre For Genomic Medicine, NCGM
Classification: Uncertain significance for T-B+ severe combined immunodeficiency due to JAK3 deficiency. Review status: criteria provided, single submitter. Criteria: ACMG Guidelines, 2015. Collection method: clinical testing. Allele origin: germline. Inheritance: Autosomal recessive inheritance. Affected: yes.
Comment: The missense c.2280G>T (p.Met760Ile) variant in the JAK3 gene has not been reported previously as a pathogenic variant nor as a benign variant, to our knowledge. This variant is reported with the allele frequency (0.0003%) in the gnomAD Exomes. It is submitted to ClinVar as Uncertain Significance. However, no details are available for independent assessment. The amino acid Methionine at position 760 is changed to a Isoleucine changing protein sequence and it might alter its composition and physico-chemical properties. The variant is predicted as damaging by SIFT. The amino acid change p.Met760Ile in JAK3 is predicted as conserved by GERP++ and PhyloP across 100 vertebrates. For these reasons, this variant has been classified as Uncertain Significance.